The following is an entry in ClinVar:

ClinVar aggregate classification (germline): Uncertain significance (1 of 4 stars; one submission).

Conditions:
Periodic fever-infantile enterocolitis-autoinflammatory syndrome. Also called: Autoinflammation with infantile enterocolitis. Identifiers: Orphanet 436166, MedGen C4015067, MONDO:0014472, OMIM 616050.
Familial cold autoinflammatory syndrome 4 (FCAS4). Identifiers: Orphanet 47045, Orphanet 576349, MedGen C4015276, MONDO:0014498, OMIM 616115.

Allele frequency attached by ClinVar (database versions not stated): gnomAD exomes below 0.00001.

Submission:

Labcorp Genetics (formerly Invitae), Labcorp
Classification: Uncertain significance for Periodic fever-infantile enterocolitis-autoinflammatory syndrome; Familial cold autoinflammatory syndrome 4. Last evaluated: 2022-06-05. Review status: criteria provided, single submitter. Criteria: Invitae Variant Classification Sherloc (09022015). Collection method: clinical testing. Allele origin: germline.
Comment: This sequence change replaces glutamic acid, which is acidic and polar, with lysine, which is basic and polar, at codon 399 of the NLRC4 protein (p.Glu399Lys). This variant is present in population databases (no rsID available, gnomAD 0.0009%). This variant has not been reported in the literature in individuals affected with NLRC4-related conditions. Algorithms developed to predict the effect of missense changes on protein structure and function are either unavailable or do not agree on the potential impact of this missense change (SIFT: "Deleterious"; PolyPhen-2: "Benign"; Align-GVGD: "Class C15"). In summary, the available evidence is currently insufficient to determine the role of this variant in disease. Therefore, it has been classified as a Variant of Uncertain Significance.

NM_001199138.2(NLRC4):c.1195G>A (p.Glu399Lys)

Gene: NLRC4 (NLR family CARD domain containing 4; minus strand). Cytogenetic location: 2p22.3.
Variant type: single nucleotide variant.
Coding change: c.1195G>A on transcript NM_001199138.2 (MANE Select); coding-DNA position 1195, G replaced by A.
Protein change: p.Glu399Lys; replaces glutamic acid 399 with lysine.
Molecular consequence: missense variant. On other transcripts: intron variant (1).
Genome position (GRCh38, 1-based): chr2:32,250,669, C>T on the plus strand (G>A on the coding strand, the complement: NLRC4 is on the minus strand). VCF-style: chr2-32250669-C-T. GRCh37 (hg19) VCF-style: chr2-32475738-C-T.
Other names: c.1195G>A, p.Glu399Lys (NM_001199139.2, NM_021209.5); c.262+1750G>A (NM_001302504.1); short protein forms E399K.
Identifiers: ClinVar variation 2026257 (VCV002026257.4), dbSNP rs1213619081, ClinGen allele CA346513190.